The following is an entry in ClinVar:

NM_144997.7(FLCN):c.330G>C (p.Gln110His)

Gene: FLCN (folliculin; minus strand). Cytogenetic location: 17p11.2.
Variant type: single nucleotide variant.
Coding change: c.330G>C on transcript NM_144997.7 (MANE Select); coding-DNA position 330, G replaced by C.
Protein change: p.Gln110His; replaces glutamine 110 with histidine.
Molecular consequence: missense variant.
Genome position (GRCh38, 1-based): chr17:17,226,242, C>G on the plus strand (G>C on the coding strand, the complement: FLCN is on the minus strand). VCF-style: chr17-17226242-C-G. GRCh37 (hg19) VCF-style: chr17-17129556-C-G.
Other names: c.330G>C, p.Gln110His (NM_001353229.2, NM_001353230.2, NM_001353231.2 and 1 more transcripts); short protein forms Q110H.
Identifiers: ClinVar variation 3850579 (VCV003850579.1).

ClinVar aggregate classification (germline): Uncertain significance (1 of 4 stars; one submission).

Conditions:
Hereditary cancer-predisposing syndrome. Also called: Hereditary neoplastic syndrome; Neoplastic Syndromes, Hereditary; Tumor predisposition; Hereditary Cancer Syndrome. Identifiers: Orphanet 140162, MedGen C0027672, MeSH D009386, MONDO:0015356.

Submission:

Ambry Genetics
Classification: Uncertain significance for Hereditary cancer-predisposing syndrome. Last evaluated: 2025-02-06. Review status: criteria provided, single submitter. Criteria: Ambry Variant Classification Scheme 2023. Collection method: clinical testing. Allele origin: germline.
Comment: The p.Q110H variant (also known as c.330G>C), located in coding exon 2 of the FLCN gene, results from a G to C substitution at nucleotide position 330. The glutamine at codon 110 is replaced by histidine, an amino acid with highly similar properties. This amino acid position is conserved. In addition, this alteration is predicted to be deleterious by in silico analysis. Based on the available evidence, the clinical significance of this variant remains unclear.